The following is an entry in ClinVar:

NM_001089.3(ABCA3):c.115C>G (p.Leu39Val)

Gene: ABCA3 (ATP binding cassette subfamily A member 3; minus strand). Cytogenetic location: 16p13.3.
Variant type: single nucleotide variant.
Coding change: c.115C>G on transcript NM_001089.3 (MANE Select); coding-DNA position 115, C replaced by G.
Protein change: p.Leu39Val; replaces leucine 39 with valine.
Molecular consequence: missense variant.
Genome position (GRCh38, 1-based): chr16:2,326,214, G>C on the plus strand (C>G on the coding strand, the complement: ABCA3 is on the minus strand). VCF-style: chr16-2326214-G-C. GRCh37 (hg19) VCF-style: chr16-2376215-G-C.
Other names: c.115C>G (NM_001089.2); short protein forms L39V.
Identifiers: ClinVar variation 2075268 (VCV002075268.9), dbSNP rs200090198, ClinGen allele CA7841782.

ClinVar aggregate classification (germline): Conflicting classifications of pathogenicity. Review status: criteria provided, conflicting classifications (1 of 4 stars). 5 submissions from 5 submitters: Uncertain significance (3); Likely benign (2). Last evaluated 2026-01-14.

Conditions:
Hereditary pulmonary alveolar proteinosis. Also called: Pulmonary surfactant metabolism dysfunction. Identifiers: Orphanet 264675, MedGen C3711368, MONDO:0012580.
Interstitial lung disease due to ABCA3 deficiency. Also called: PULMONARY ALVEOLAR PROTEINOSIS, CONGENITAL, 3. Identifiers: Orphanet 440402, MedGen C1970456, MONDO:0012582, OMIM 610921.

Allele frequency attached by ClinVar (database versions not stated): ESP Exome Variant Server 0.00008; 1000 Genomes Project 0.00020; 1000 Genomes Project 30x 0.00031.

Submissions (5):

Labcorp Genetics (formerly Invitae), Labcorp
Classification: Likely benign. Last evaluated: 2026-01-14. Review status: criteria provided, single submitter. Criteria: Invitae Variant Classification Sherloc (09022015). Collection method: clinical testing. Allele origin: germline.

Ambry Genetics
Classification: Likely benign for Hereditary pulmonary alveolar proteinosis. Last evaluated: 2026-01-08. Review status: criteria provided, single submitter. Criteria: Ambry Variant Classification Scheme 2023. Collection method: clinical testing. Allele origin: germline.

Blueprint Genetics
Classification: Uncertain significance. Last evaluated: 2024-01-23. Review status: criteria provided, single submitter. Criteria: ACMG Guidelines, 2015. Collection method: clinical testing. Allele origin: germline.

GeneDx
Classification: Uncertain significance. Last evaluated: 2023-07-20. Review status: criteria provided, single submitter. Criteria: GeneDx Variant Classification Process June 2021. Collection method: clinical testing. Allele origin: germline. Affected: yes.
Comment: Identified in multiple affected individuals from a single family with microcornea-cataract syndrome in the published literature (Chen et al., 2014) who also had other ABCA3 variants, likely on the same allele (in cis); In silico analysis supports that this missense variant does not alter protein structure/function; This variant is associated with the following publications: (PMID: 28642621, 34426522, 33708521, 25406294)

Juno Genomics, Hangzhou Juno Genomics, Inc
Classification: Uncertain significance for Interstitial lung disease due to ABCA3 deficiency. Review status: criteria provided, single submitter. Criteria: ACMG Guidelines, 2015. Collection method: clinical testing. Allele origin: germline.
Comment: Absent from controls (or at extremely low frequency if recessive) in Genome Aggregation Database.;Multiple lines of computational evidence support a deleterious effect on the gene or gene product.